The following is an entry in ClinVar:

NM_022089.4(ATP13A2):c.3235+14C>T

Gene: ATP13A2 (ATPase cation transporting 13A2; minus strand). Cytogenetic location: 1p36.13.
Variant type: single nucleotide variant.
Coding change: c.3235+14C>T on transcript NM_022089.4 (MANE Select); 14 bases into the intron after coding-DNA position 3235, C replaced by T.
Molecular consequence: intron variant.
Genome position (GRCh38, 1-based): chr1:16,986,791, G>A on the plus strand (C>T on the coding strand, the complement: ATP13A2 is on the minus strand). VCF-style: chr1-16986791-G-A. GRCh37 (hg19) VCF-style: chr1-17313286-G-A.
Other names: c.3103+14C>T (NM_001141974.3); c.3220+14C>T (NM_001141973.3).
Identifiers: ClinVar variation 2034908 (VCV002034908.1), dbSNP rs376397035, ClinGen allele CA636568.

ClinVar aggregate classification (germline): Uncertain significance (1 of 4 stars; one submission).

Conditions:
Autosomal recessive spastic paraplegia type 78. Identifiers: Orphanet 513436, MedGen C5567893, MONDO:0014975, OMIM 617225.
Kufor-Rakeb syndrome (KRS). Also called: PARKINSON DISEASE 9, AUTOSOMAL RECESSIVE, JUVENILE-ONSET. Identifiers: Orphanet 306674, Orphanet 314632, MedGen C1847640, MONDO:0011706, OMIM 606693.

Allele frequency attached by ClinVar (database versions not stated): ExAC 0.00004; gnomAD 0.00005; gnomAD exomes 0.00007; ESP Exome Variant Server 0.00023.
gnomAD v4.1: 110 of 1,610,598 alleles (0.0068%); highest among the groups gnomAD compares: Non-Finnish European, 0.0086%; no homozygotes.

Submission:

Labcorp Genetics (formerly Invitae), Labcorp
Classification: Uncertain significance for Kufor-Rakeb syndrome; Autosomal recessive spastic paraplegia type 78. Last evaluated: 2022-07-30. Review status: criteria provided, single submitter. Criteria: Invitae Variant Classification Sherloc (09022015). Collection method: clinical testing. Allele origin: germline.
Comment: This sequence change falls in intron 27 of the ATP13A2 gene. It does not directly change the encoded amino acid sequence of the ATP13A2 protein. This variant is present in population databases (rs376397035, gnomAD 0.009%). This variant has not been reported in the literature in individuals affected with ATP13A2-related conditions. Algorithms developed to predict the effect of sequence changes on RNA splicing suggest that this variant may create or strengthen a splice site. In summary, the available evidence is currently insufficient to determine the role of this variant in disease. Therefore, it has been classified as a Variant of Uncertain Significance.